The following is an entry in ClinVar:

NM_198994.3(TGM6):c.767C>T (p.Ala256Val)

Gene: TGM6 (transglutaminase 6; plus strand). Cytogenetic location: 20p13.
Variant type: single nucleotide variant.
Coding change: c.767C>T on transcript NM_198994.3 (MANE Select); coding-DNA position 767, C replaced by T.
Protein change: p.Ala256Val; replaces alanine 256 with valine.
Molecular consequence: missense variant.
Genome position (GRCh38, 1-based): chr20:2,399,655, C>T. VCF-style: chr20-2399655-C-T. GRCh37 (hg19) VCF-style: chr20-2380301-C-T.
Other names: c.767C>T, p.Ala256Val (NM_001254734.2); short protein forms A256V.
Identifiers: ClinVar variation 2573675 (VCV002573675.1), dbSNP rs2514373143, ClinGen allele CA408011013.
Genomic context (GRCh38, chr20:2,399,655, plus strand): 5'-GACAGTGGCAGGGCAAGTACGGCGGCGGCACCAGCCCGCTGCACTGGCGCGGCAGCGTGG[C>T]CATTCTGCAGAAGTGGCTCAAGGGCAGGTACAAGCCAGTCAAGTACGGCCAGTGCTGGGT-3'
Protein context (NP_945345.2, residues 246-266): TSPLHWRGSV[Ala256Val]ILQKWLKGRY

ClinVar aggregate classification (germline): Uncertain significance (1 of 4 stars; one submission).

Allele frequency attached by ClinVar (database versions not stated): gnomAD exomes below 0.00001.
gnomAD v4.1: 1 of 1,613,746 alleles (0.000062%); highest among the groups gnomAD compares: South Asian, 0.0011%; no homozygotes.

Submission:

GeneDx
Classification: Uncertain significance. Last evaluated: 2023-01-23. Review status: criteria provided, single submitter. Criteria: GeneDx Variant Classification Process June 2021. Collection method: clinical testing. Allele origin: germline. Affected: yes.
Comment: Not observed at significant frequency in large population cohorts (gnomAD); In silico analysis supports that this missense variant does not alter protein structure/function; Has not been previously published as pathogenic or benign to our knowledge